The following is an entry in ClinVar:

NM_006531.5(IFT88):c.245C>G (p.Pro82Arg)

Gene: IFT88 (intraflagellar transport 88; plus strand). Cytogenetic location: 13q12.11.
Variant type: single nucleotide variant.
Coding change: c.245C>G on transcript NM_006531.5 (MANE Select); coding-DNA position 245, C replaced by G.
Protein change: p.Pro82Arg; replaces proline 82 with arginine.
Molecular consequence: missense variant. On other transcripts: 5 prime UTR variant (1), non-coding transcript variant (5).
Genome position (GRCh38, 1-based): chr13:20,591,001, C>G. VCF-style: chr13-20591001-C-G. GRCh37 (hg19) VCF-style: chr13-21165140-C-G.
Other names: c.188C>G, p.Pro63Arg (NM_001318491.2, NM_001353573.2, NM_001353574.2 and 1 more transcripts); c.272C>G, p.Pro91Arg (NM_001318493.2, NM_001353565.2, NM_001353566.2 and 6 more transcripts); c.245C>G, p.Pro82Arg (NM_001353568.2, NM_001353571.2, NM_001353572.2 and 1 more transcripts); c.-319C>G (NM_001353579.2); short protein forms P63R, P82R, P91R.
Identifiers: ClinVar variation 3627104 (VCV003627104.2).

ClinVar aggregate classification (germline): Uncertain significance (1 of 4 stars; one submission).

gnomAD v4.1: 8 of 1,609,772 alleles (0.0005%); highest among the groups gnomAD compares: Non-Finnish European, 0.00068%; no homozygotes.

Submission:

Labcorp Genetics (formerly Invitae), Labcorp
Classification: Uncertain significance. Last evaluated: 2024-04-15. Review status: criteria provided, single submitter. Criteria: Invitae Variant Classification Sherloc (09022015). Collection method: clinical testing. Allele origin: germline.
Comment: This sequence change replaces proline, which is neutral and non-polar, with arginine, which is basic and polar, at codon 91 of the IFT88 protein (p.Pro91Arg). This variant is present in population databases (rs758439682, gnomAD 0.003%). This variant has not been reported in the literature in individuals affected with IFT88-related conditions. An algorithm developed to predict the effect of missense changes on protein structure and function (PolyPhen-2) suggests that this variant is likely to be tolerated. In summary, the available evidence is currently insufficient to determine the role of this variant in disease. Therefore, it has been classified as a Variant of Uncertain Significance.